The following is an entry in ClinVar:

NM_000080.4(CHRNE):c.66C>T (p.Asn22=)

Genes: C17orf107 (chromosome 17 open reading frame 107; plus strand), CHRNE (cholinergic receptor nicotinic epsilon subunit; minus strand). Cytogenetic location: 17p13.2.
Variant type: single nucleotide variant.
Coding change: c.66C>T on transcript NM_000080.4 (MANE Select); coding-DNA position 66, C replaced by T.
Protein change: p.Asn22=; no amino-acid change (asparagine 22 retained).
Molecular consequence: synonymous variant. On other transcripts: 3 prime UTR variant (1).
Genome position (GRCh38, 1-based): chr17:4,902,744, G>A on the plus strand (C>T on the coding strand, the complement: CHRNE is on the minus strand). VCF-style: chr17-4902744-G-A. GRCh37 (hg19) VCF-style: chr17-4806039-G-A.
Other names: p.Asn22=; c.*2211G>A (NM_001145536.2).
Identifiers: ClinVar variation 705436 (VCV000705436.14), dbSNP rs55770091, ClinGen allele CA8314611.

ClinVar aggregate classification (germline): Likely benign. Review status: criteria provided, multiple submitters, no conflicts (2 of 4 stars). 4 submissions from 4 submitters: Likely benign (3). 1 of the submissions does not count toward it. Last evaluated 2025-11-24.

Conditions:
Congenital myasthenic syndrome 4A. Also called: Myasthenic syndrome, congenital, 4a, slow-channel; CONGENITAL MYASTHENIC SYNDROME TYPE Ia1; MYASTHENIC SYNDROME, CONGENITAL, 4A, SLOW-CHANNEL, AUTOSOMAL RECESSIVE. Identifiers: Orphanet 590, MedGen C4225413, MONDO:0011600, OMIM 605809.
Congenital myasthenic syndrome (CMS). Also called: Congenital Myasthenic Syndromes. Identifiers: Orphanet 590, MedGen C0751882, MeSH D020294, MONDO:0018940.

Allele frequency attached by ClinVar (database versions not stated): ExAC 0.00017; TOPMed 0.00029; gnomAD 0.00030 and 0.00031; 1000 Genomes Project 0.00040; 1000 Genomes Project 30x 0.00062.
gnomAD v4.1: 185 of 1,613,974 alleles (0.011%); highest among the groups gnomAD compares: Admixed American, 0.16%; no homozygotes.

Submissions (4):

Labcorp Genetics (formerly Invitae), Labcorp
Classification: Likely benign for Congenital myasthenic syndrome 4A. Last evaluated: 2025-11-24. Review status: criteria provided, single submitter. Criteria: Invitae Variant Classification Sherloc (09022015). Collection method: clinical testing. Allele origin: germline.

Mayo Clinic Laboratories, Mayo Clinic
Classification: Likely benign. Last evaluated: 2025-07-18. Review status: criteria provided, single submitter. Criteria: ACMG Guidelines, 2015. Collection method: clinical testing. Allele origin: germline. Observed: 1 variant allele.
Comment: BP4, BP7

Blueprint Genetics
Classification: Likely benign. Last evaluated: 2024-08-20. Review status: criteria provided, single submitter. Criteria: ACMG Guidelines, 2015. Collection method: clinical testing. Allele origin: germline.

Natera, Inc.
Classification: Uncertain significance for Congenital myasthenic syndrome. Last evaluated: 2020-01-17. Review status: no assertion criteria provided. Collection method: clinical testing. Allele origin: germline. Not counted in ClinVar's aggregate classification.